The following is an entry in ClinVar:

ClinVar aggregate classification (germline): Uncertain significance (1 of 4 stars; one submission).

Submission:

Labcorp Genetics (formerly Invitae), Labcorp
Classification: Uncertain significance. Last evaluated: 2025-04-03. Review status: criteria provided, single submitter. Criteria: Invitae Variant Classification Sherloc (09022015). Collection method: clinical testing. Allele origin: germline.
Comment: This sequence change replaces phenylalanine, which is neutral and non-polar, with isoleucine, which is neutral and non-polar, at codon 351 of the MBTPS2 protein (p.Phe351Ile). This variant is not present in population databases (gnomAD no frequency). This variant has not been reported in the literature in individuals affected with MBTPS2-related conditions. Invitae Evidence Modeling of protein sequence and biophysical properties (such as structural, functional, and spatial information, amino acid conservation, physicochemical variation, residue mobility, and thermodynamic stability) indicates that this missense variant is not expected to disrupt MBTPS2 protein function with a negative predictive value of 95%. In summary, the available evidence is currently insufficient to determine the role of this variant in disease. Therefore, it has been classified as a Variant of Uncertain Significance.

NM_015884.4(MBTPS2):c.1051T>A (p.Phe351Ile)

Gene: MBTPS2 (membrane bound transcription factor peptidase, site 2; plus strand). Cytogenetic location: Xp22.12.
Variant type: single nucleotide variant.
Coding change: c.1051T>A on transcript NM_015884.4 (MANE Select); coding-DNA position 1051, T replaced by A.
Protein change: p.Phe351Ile; replaces phenylalanine 351 with isoleucine.
Molecular consequence: missense variant.
Genome position (GRCh38, 1-based): chrX:21,878,122, T>A. VCF-style: chrX-21878122-T-A. GRCh37 (hg19) VCF-style: chrX-21896240-T-A.
Other names: short protein forms F351I.
Identifiers: ClinVar variation 4770842 (VCV004770842.1).
Genomic context (GRCh38, chrX:21,878,122, plus strand): 5'-TCAACTGAATGCTGTAACAATCACAGCCTCACAGATGTGTGCTTTTCCTACAGAAATAAT[T>A]TTAATAAGCGTTTGGTAAGTTGTCCCTGAAGCAGTCTTGCTTGTCTGATATAATTACTAA-3'
Protein context (NP_056968.1, residues 341-361): TDVCFSYRNN[Phe351Ile]NKRLHTCLPA